The following is an entry in ClinVar:

NM_016247.4(IMPG2):c.1465G>A (p.Val489Ile)

Gene: IMPG2 (interphotoreceptor matrix proteoglycan 2; minus strand). Cytogenetic location: 3q12.3.
Variant type: single nucleotide variant.
Coding change: c.1465G>A on transcript NM_016247.4 (MANE Select); coding-DNA position 1465, G replaced by A.
Protein change: p.Val489Ile; replaces valine 489 with isoleucine.
Molecular consequence: missense variant.
Genome position (GRCh38, 1-based): chr3:101,245,880, C>T on the plus strand (G>A on the coding strand, the complement: IMPG2 is on the minus strand). VCF-style: chr3-101245880-C-T. GRCh37 (hg19) VCF-style: chr3-100964724-C-T.
Other names: short protein forms V489I.
Identifiers: ClinVar variation 1026595 (VCV001026595.9), dbSNP rs1206563742, ClinGen allele CA353862314.

ClinVar aggregate classification (germline): Uncertain significance. Review status: criteria provided, single submitter (1 of 4 stars). 2 submissions from 2 submitters: Uncertain significance (1). 1 of the submissions does not count toward it. Last evaluated 2020-06-26.

Conditions:
Retinal dystrophy. Also called: Inherited retinal dystrophy. Identifiers: Orphanet 71862, MedGen C0854723, MeSH D058499, MONDO:0019118, HP:0000556.

Allele frequency attached by ClinVar (database versions not stated): gnomAD exomes below 0.00001 and 0.00001.
gnomAD v4.1: 3 of 1,614,162 alleles (0.00019%); highest among the groups gnomAD compares: South Asian, 0.0033%; no homozygotes.

Submissions (2):

Labcorp Genetics (formerly Invitae), Labcorp
Classification: Uncertain significance. Last evaluated: 2020-06-26. Review status: criteria provided, single submitter. Criteria: Invitae Variant Classification Sherloc (09022015). Collection method: clinical testing. Allele origin: germline.
Comment: In summary, the available evidence is currently insufficient to determine the role of this variant in disease. Therefore, it has been classified as a Variant of Uncertain Significance. Algorithms developed to predict the effect of missense changes on protein structure and function output the following: SIFT: "Tolerated"; PolyPhen-2: "Benign"; Align-GVGD: "Class C0". The isoleucine amino acid residue is found in multiple mammalian species, suggesting that this missense change does not adversely affect protein function. These predictions have not been confirmed by published functional studies and their clinical significance is uncertain. This variant has not been reported in the literature in individuals with IMPG2-related conditions. This variant is not present in population databases (ExAC no frequency). This sequence change replaces valine with isoleucine at codon 489 of the IMPG2 protein (p.Val489Ile). The valine residue is highly conserved and there is a small physicochemical difference between valine and isoleucine.

Institute of Human Genetics, Univ. Regensburg, Univ. Regensburg
Classification: Uncertain significance for Retinal dystrophy. Last evaluated: 2015-01-01. Review status: no assertion criteria provided. Criteria: ACMG Guidelines, 2015. Collection method: clinical testing. Allele origin: germline. Affected: yes. Not counted in ClinVar's aggregate classification.